The following is an entry in ClinVar:

NM_017635.5(KMT5B):c.653G>A (p.Trp218Ter)

Gene: KMT5B (lysine methyltransferase 5B; minus strand). Cytogenetic location: 11q13.2.
Variant type: single nucleotide variant.
Coding change: c.653G>A on transcript NM_017635.5 (MANE Select); coding-DNA position 653, G replaced by A.
Protein change: p.Trp218Ter; replaces tryptophan 218 with a stop codon.
Molecular consequence: nonsense. On other transcripts: non-coding transcript variant (3), 5 prime UTR variant (1).
Genome position (GRCh38, 1-based): chr11:68,173,804, C>T on the plus strand (G>A on the coding strand, the complement: KMT5B is on the minus strand). VCF-style: chr11-68173804-C-T. GRCh37 (hg19) VCF-style: chr11-67941271-C-T.
Other names: c.653G>A, p.Trp218Ter (NM_001363566.2, NM_001369426.1, NM_001369427.1 and 1 more transcripts); c.137G>A, p.Trp46Ter (NM_001369424.1, NM_001369428.1, NM_001369429.1 and 5 more transcripts); c.440G>A, p.Trp147Ter (NM_001369425.1); c.-15G>A (NM_001300908.2); c.584G>A, p.Trp195Ter (NM_001300909.2); short protein forms W195*, W218*, W147*, W46*.
Identifiers: ClinVar variation 4832978 (VCV004832978.1).
Genomic context (GRCh38, chr11:68,173,804, plus strand): 5'-ACAATAATTTAGAAGAGAACTTTAAATTAAATTAAAGGCTTATACTAGTAGAATAGTTAC[C>T]ACTCTTTTGTTGCAACTATTTTGGCTCCATTTTGTTCTGATGAGTATCTATTACATGGCA-3'

ClinVar aggregate classification (germline): Likely pathogenic (1 of 4 stars; one submission).

Conditions:
Inborn genetic diseases. Identifiers: MedGen C0950123, MeSH D030342.

Submission:

Ambry Genetics
Classification: Likely pathogenic for Inborn genetic diseases. Last evaluated: 2025-12-16. Review status: criteria provided, single submitter. Criteria: Ambry Variant Classification Scheme 2023. Collection method: clinical testing. Allele origin: germline.
Comment: The c.653G>A (p.W218*) alteration, located in exon 6 (coding exon 5) of the KMT5B gene, consists of a G to A substitution at nucleotide position 653. This changes the amino acid from a tryptophan (W) to a stop codon at amino acid position 218. However, this change occurs in the last base pair of exon 6 (coding exon 5), which makes it likely to have some effect on normal mRNA splicing. This variant was not reported in population-based cohorts in the Genome Aggregation Database (gnomAD). Based on the available evidence, this alteration is classified as likely pathogenic.